The following is an entry in ClinVar:

NM_007294.4(BRCA1):c.5153-16T>A

Gene: BRCA1 (BRCA1 DNA repair associated; minus strand). Cytogenetic location: 17q21.31.
Variant type: single nucleotide variant.
Coding change: c.5153-16T>A on transcript NM_007294.4 (MANE Select); 16 bases into the intron before coding-DNA position 5153, T replaced by A.
Molecular consequence: intron variant.
Genome position (GRCh38, 1-based): chr17:43,063,389, A>T on the plus strand (T>A on the coding strand, the complement: BRCA1 is on the minus strand). VCF-style: chr17-43063389-A-T. GRCh37 (hg19) VCF-style: chr17-41215406-A-T.
Other names: c.1700-16T>A (NM_001408458.1, NM_001408461.1, NM_001408464.1 and 7 more transcripts); c.4262-16T>A (NM_001407967.1); c.4772-16T>A (NM_001407959.1); c.4886-16T>A (NM_001407931.1, NM_001407932.1, NM_001407928.1 and 4 more transcripts); c.5009-16T>A (NM_001407747.1, NM_001407745.1, NM_001407737.1 and 21 more transcripts); c.4769-16T>A (NM_001407962.1, NM_001407960.1); c.1340-16T>A (NM_001408512.1); c.1463-16T>A (NM_001408510.1); and 72 more.
Identifiers: ClinVar variation 867730 (VCV000867730.3), dbSNP rs2051876446, ClinGen allele CA916080076.

Conditions:
Breast-ovarian cancer, familial, susceptibility to, 1 (BROVCA1). Also called: BRCA1 Hereditary Breast and Ovarian Cancer; OVARIAN CANCER, SUSCEPTIBILITY TO. Identifiers: Orphanet 145, MedGen C2676676, MONDO:0011450, OMIM 604370. Disease mechanism: loss of function.

Submission:

Brotman Baty Institute, University of Washington
No classification provided (evidence only). Condition: Breast-ovarian cancer, familial 1. Review status: no classification provided. Collection method: in vitro. Allele origin: not applicable. Functional consequence: functionally_normal.
ClinVar note: "not provided" was previously submitted as the classification for the variant. However, the classification appeared to be based only on an observation of functional data so it was converted to no classification on 2025-07-30.